The following is an entry in ClinVar:

NM_001940.4(ATN1):c.1006G>A (p.Gly336Arg)

Gene: ATN1 (atrophin 1; plus strand). Cytogenetic location: 12p13.31.
Variant type: single nucleotide variant.
Coding change: c.1006G>A on transcript NM_001940.4 (MANE Select); coding-DNA position 1006, G replaced by A.
Protein change: p.Gly336Arg; replaces glycine 336 with arginine.
Molecular consequence: missense variant.
Genome position (GRCh38, 1-based): chr12:6,936,273, G>A. VCF-style: chr12-6936273-G-A. GRCh37 (hg19) VCF-style: chr12-7045436-G-A.
Other names: c.1006G>A, p.Gly336Arg (NM_001007026.2, NM_001424176.1, NM_001424177.1 and 1 more transcripts); c.1003G>A, p.Gly335Arg (NM_001424179.1, NM_001424180.1, NM_001424182.1); short protein forms G335R, G336R.
Identifiers: ClinVar variation 3776447 (VCV003776447.1).
Genomic context (GRCh38, chr12:6,936,273, plus strand): 5'-TCTCCCCCTGGCCTGGGGGCCCAACCACTACCTGGTCATCTGCCCTCTCCCCACGCCATG[G>A]GACAGGGTATGGGTGGACTTCCTCCTGGCCCAGAGAAGGGCCCAACTCTGGCTCCTTCAC-3'
Protein context (NP_001931.2, residues 326-346): PGHLPSPHAM[Gly336Arg]QGMGGLPPGP

ClinVar aggregate classification (germline): Uncertain significance (1 of 4 stars; one submission).

Submission:

GeneDx
Classification: Uncertain significance. Last evaluated: 2024-10-03. Review status: criteria provided, single submitter. Criteria: GeneDx Variant Classification Process June 2021. Collection method: clinical testing. Allele origin: germline. Affected: yes.
Comment: Not observed at significant frequency in large population cohorts (gnomAD); In silico analysis indicates that this missense variant does not alter protein structure/function; Has not been previously published as pathogenic or benign to our knowledge.